The following is an entry in ClinVar:

ClinVar aggregate classification (germline): Uncertain significance (1 of 4 stars; one submission).

Conditions:
Telangiectasia, hereditary hemorrhagic, type 1 (HHT1). Also called: ENG-Related Hereditary Hemorrhagic Telangiectasia; Osler Weber Rendu syndrome type 1. Identifiers: Orphanet 774, MedGen C4551861, MONDO:0008535, OMIM 187300. Disease mechanism: loss of function.

Submission:

Broad Center for Mendelian Genomics, Broad Institute of MIT and Harvard
Classification: Uncertain significance for Telangiectasia, hereditary hemorrhagic, type 1. Last evaluated: 2026-08-26. Review status: criteria provided, single submitter. Criteria: ACMG Guidelines, 2015. Collection method: research. Allele origin: germline. Inheritance: Autosomal dominant inheritance. Study: GREGoR Consortium.
Comment: The heterozygous p.Ala265_Asn268del variant in ENG was identified by our study in 3 family members with hereditary hemorrhagic telangiectasia. The p.Ala265_Asn368del variant in ENG has not been previously reported in the literature individuals with hereditary hemorrhagic telangiectasia, and was absent from large population studies. This variant is a deletion of 3 amino acids at position 265 and is not predicted to alter the protein reading-frame. This deletion is expected to impact the protein. The phenotype of an individual heterozygous for this variant is highly specific for hereditary hemorrhagic telangiectasia based on specific phenotype features consistent with disease (PMID: 40225928). In summary, while there is some suspicion for a pathogenic role, the clinical significance of this variant is uncertain. ACMG/AMP Criteria applied: PP4_moderate, PM2_supporting, PM4_supporting (Richards 2015).

NM_001114753.3(ENG):c.793_804del (p.Ala265_Asn268del)

Gene: ENG (endoglin; minus strand). Cytogenetic location: 9q34.11.
Variant type: Deletion.
Coding change: c.793_804del on transcript NM_001114753.3 (MANE Select); coding-DNA positions 793 to 804, 12 bases deleted (GCCAACCACAAC).
Protein change: p.Ala265_Asn268del.
Genome position (GRCh38, 1-based): chr9:127,825,243-127,825,254, GTTGTGGTTGGC deleted on the plus strand (GCCAACCACAAC on the coding strand, the reverse complement: ENG is on the minus strand); deleting any 12 consecutive bases within chr9:127,825,243-127,825,256 gives the same sequence; the c. name uses the placement nearest the transcript's 3' end. VCF-style (leftmost placement, unchanged base first): chr9-127825242-TGTTGTGGTTGGC-T. GRCh37 (hg19) VCF-style: chr9-130587521-TGTTGTGGTTGGC-T.
Other names: NM_001278138.2:c.247_258del; c.793_804del, p.Ala265_Asn268del (NM_000118.4, NM_001406715.1); c.247_258del, p.Ala83_Asn86del (NM_001278138.2).
Identifiers: ClinVar variation 4974514 (VCV004974514.1).
Genomic context (GRCh38, chr9:127,825,242, plus strand): 5'-AGAGGTTGGGAGTTTGGGTTTTGTGTCCCGGGAGCTGCGCACAACTCACCCAGATCTGCA[TGTTGTGGTTGGC>T]GTCGATGAGCCAGGACACGTAGGGGGGACCCTGCAGGATGAGGACGGCATCGAGATCCCC-3'